The following is an entry in ClinVar:

NM_001128922.2(LRRC32):c.1719C>T (p.Leu573=)

Genes: LRRC32-AS1 (LRRC32 antisense RNA 1; plus strand), LRRC32 (leucine rich repeat containing 32; minus strand). Cytogenetic location: 11q13.5.
Variant type: single nucleotide variant.
Coding change: c.1719C>T on transcript NM_001128922.2 (MANE Select); coding-DNA position 1719, C replaced by T.
Protein change: p.Leu573=; no amino-acid change (leucine 573 retained).
Molecular consequence: synonymous variant. On other transcripts: non-coding transcript variant (1), intron variant (1).
Genome position (GRCh38, 1-based): chr11:76,659,874, G>A on the plus strand (C>T on the coding strand, the complement: LRRC32 is on the minus strand). VCF-style: chr11-76659874-G-A. GRCh37 (hg19) VCF-style: chr11-76370918-G-A.
Other names: c.1719C>T, p.Leu573= (NM_001370187.1, NM_001370188.1, NM_005512.3); c.1653C>T, p.Leu551= (NM_001370189.1); c.1389C>T, p.Leu463= (NM_001370190.1); c.85-1840C>T (NM_001370191.1).
Identifiers: ClinVar variation 2642167 (VCV002642167.24), dbSNP rs137916255, ClinGen allele CA6194553.

ClinVar aggregate classification (germline): Likely benign (1 of 4 stars; one submission).

Allele frequency attached by ClinVar (database versions not stated): gnomAD exomes 0.00001; TOPMed 0.00002; ExAC 0.00003; gnomAD 0.00004; ESP Exome Variant Server 0.00008.
gnomAD v4.1: 23 of 1,613,934 alleles (0.0014%); highest among the groups gnomAD compares: Non-Finnish European, 0.0019%; no homozygotes.

Submission:

CeGaT Center for Human Genetics Tuebingen
Classification: Likely benign. Last evaluated: 2023-05-01. Review status: criteria provided, single submitter. Criteria: CeGaT Center For Human Genetics Tuebingen Variant Classification Criteria Version 2. Collection method: clinical testing. Allele origin: germline. Affected: yes. Observed: 1 variant allele.
Comment: LRRC32: BP4, BP7